The following is an entry in ClinVar:

ClinVar aggregate classification (germline): Uncertain significance (1 of 4 stars; one submission).

Conditions:
Inborn genetic diseases. Identifiers: MedGen C0950123, MeSH D030342.

gnomAD v4.1: 4 of 1,613,244 alleles (0.00025%); highest among the groups gnomAD compares: Non-Finnish European, 0.00025%; no homozygotes.

Submission:

Ambry Genetics
Classification: Uncertain significance for Inborn genetic diseases. Last evaluated: 2025-10-11. Review status: criteria provided, single submitter. Criteria: Ambry Variant Classification Scheme 2023. Collection method: clinical testing. Allele origin: germline.
Comment: The p.L1223V variant (also known as c.3667C>G), located in coding exon 1 of the SAMD9 gene, results from a C to G substitution at nucleotide position 3667. The leucine at codon 1223 is replaced by valine, an amino acid with highly similar properties. This amino acid position is conserved. In addition, this alteration is predicted to be tolerated by in silico analysis. Based on the available evidence, the clinical significance of this variant remains unclear.

NM_017654.4(SAMD9):c.3667C>G (p.Leu1223Val)

Gene: SAMD9 (sterile alpha motif domain containing 9; minus strand). Cytogenetic location: 7q21.2.
Variant type: single nucleotide variant.
Coding change: c.3667C>G on transcript NM_017654.4 (MANE Select); coding-DNA position 3667, C replaced by G.
Protein change: p.Leu1223Val; replaces leucine 1223 with valine.
Molecular consequence: missense variant.
Genome position (GRCh38, 1-based): chr7:93,102,431, G>C on the plus strand (C>G on the coding strand, the complement: SAMD9 is on the minus strand). VCF-style: chr7-93102431-G-C. GRCh37 (hg19) VCF-style: chr7-92731744-G-C.
Other names: c.3667C>G, p.Leu1223Val (NM_001193307.2); short protein forms L1223V.
Identifiers: ClinVar variation 4629868 (VCV004629868.1).